The following is an entry in ClinVar:

NM_032217.5(ANKRD17):c.5568A>G (p.Ala1856=)

Gene: ANKRD17 (ankyrin repeat domain 17; minus strand). Cytogenetic location: 4q13.3.
Variant type: single nucleotide variant.
Coding change: c.5568A>G on transcript NM_032217.5 (MANE Select); coding-DNA position 5568, A replaced by G.
Protein change: p.Ala1856=; no amino-acid change (alanine 1856 retained).
Molecular consequence: synonymous variant.
Genome position (GRCh38, 1-based): chr4:73,092,060, T>C on the plus strand (A>G on the coding strand, the complement: ANKRD17 is on the minus strand). VCF-style: chr4-73092060-T-C. GRCh37 (hg19) VCF-style: chr4-73957777-T-C.
Other names: c.5229A>G, p.Ala1743= (NM_001286771.3); c.5565A>G, p.Ala1855= (NM_015574.2); c.4815A>G, p.Ala1605= (NM_198889.3).
Identifiers: ClinVar variation 3905900 (VCV003905900.10).

ClinVar aggregate classification (germline): Likely benign (1 of 4 stars; one submission).

Submission:

CeGaT Center for Human Genetics Tuebingen
Classification: Likely benign. Last evaluated: 2025-05-01. Review status: criteria provided, single submitter. Criteria: CeGaT Center For Human Genetics Tuebingen Variant Classification Criteria Version 2. Collection method: clinical testing. Allele origin: germline. Affected: yes. Observed: 1 variant allele.
Comment: ANKRD17: PM2:Supporting, BP4, BP7